The following is an entry in ClinVar:

ClinVar aggregate classification (germline): Uncertain significance (1 of 4 stars; one submission).

Allele frequency attached by ClinVar (database versions not stated): gnomAD exomes below 0.00001; TOPMed below 0.00001.
gnomAD v4.1: 1 of 1,614,204 alleles (0.000062%); highest among the groups gnomAD compares: Admixed American, 0.0017%; no homozygotes.

Submission:

Labcorp Genetics (formerly Invitae), Labcorp
Classification: Uncertain significance. Last evaluated: 2022-02-05. Review status: criteria provided, single submitter. Criteria: Invitae Variant Classification Sherloc (09022015). Collection method: clinical testing. Allele origin: germline.
Comment: In summary, the available evidence is currently insufficient to determine the role of this variant in disease. Therefore, it has been classified as a Variant of Uncertain Significance. Algorithms developed to predict the effect of missense changes on protein structure and function (SIFT, PolyPhen-2, Align-GVGD) all suggest that this variant is likely to be disruptive. This variant has not been reported in the literature in individuals affected with CYP7A1-related conditions. This variant is present in population databases (no rsID available, gnomAD 0.003%). This sequence change replaces proline, which is neutral and non-polar, with leucine, which is neutral and non-polar, at codon 224 of the CYP7A1 protein (p.Pro224Leu).

NM_000780.4(CYP7A1):c.671C>T (p.Pro224Leu)

Gene: CYP7A1 (cytochrome P450 family 7 subfamily A member 1; minus strand). Cytogenetic location: 8q12.1.
Variant type: single nucleotide variant.
Coding change: c.671C>T on transcript NM_000780.4 (MANE Select); coding-DNA position 671, C replaced by T.
Protein change: p.Pro224Leu; replaces proline 224 with leucine.
Molecular consequence: missense variant.
Genome position (GRCh38, 1-based): chr8:58,496,841, G>A on the plus strand (C>T on the coding strand, the complement: CYP7A1 is on the minus strand). VCF-style: chr8-58496841-G-A. GRCh37 (hg19) VCF-style: chr8-59409400-G-A.
Other names: short protein forms P224L.
Identifiers: ClinVar variation 1361883 (VCV001361883.8), dbSNP rs1450992936, ClinGen allele CA371293653.